The following is an entry in ClinVar:

NM_001035.3(RYR2):c.8830+5del

Gene: RYR2 (ryanodine receptor 2; plus strand). Cytogenetic location: 1q43.
Variant type: Deletion.
Coding change: c.8830+5del on transcript NM_001035.3 (MANE Select); 5 bases into the intron after coding-DNA position 8830, one base deleted (G; older notation c.8830+5delG).
Molecular consequence: intron variant.
Genome position (GRCh38, 1-based): chr1:237,674,851, G deleted; the last of 2 consecutive G bases (chr1:237,674,850-237,674,851); deleting either gives the same sequence. VCF-style (leftmost placement, unchanged base first): chr1-237674849-AG-A. GRCh37 (hg19) VCF-style: chr1-237838149-AG-A.
Identifiers: ClinVar variation 1764819 (VCV001764819.2), dbSNP rs1685259789, ClinGen allele CA1013739404.

ClinVar aggregate classification (germline): Uncertain significance (1 of 4 stars; one submission).

Conditions:
Cardiovascular phenotype. Identifiers: MedGen CN230736.

Submission:

Ambry Genetics
Classification: Uncertain significance for Cardiovascular phenotype. Last evaluated: 2020-12-04. Review status: criteria provided, single submitter. Criteria: Ambry Variant Classification Scheme 2023. Collection method: clinical testing. Allele origin: germline.
Comment: The c.8830+5delG intronic variant, located in intron 60 of the RYR2 gene, results from a deletion of one nucleotide within intron 60 of the RYR2 gene. This nucleotide position is well conserved in available vertebrate species. In silico splice site analysis predicts that this alteration will weaken the native splice donor site. Since supporting evidence is limited at this time, the clinical significance of this alteration remains unclear.